The following is an entry in ClinVar:

NM_016247.4(IMPG2):c.2246A>C (p.Gln749Pro)

Gene: IMPG2 (interphotoreceptor matrix proteoglycan 2; minus strand). Cytogenetic location: 3q12.3.
Variant type: single nucleotide variant.
Coding change: c.2246A>C on transcript NM_016247.4 (MANE Select); coding-DNA position 2246, A replaced by C.
Protein change: p.Gln749Pro; replaces glutamine 749 with proline.
Molecular consequence: missense variant.
Genome position (GRCh38, 1-based): chr3:101,244,085, T>G on the plus strand (A>C on the coding strand, the complement: IMPG2 is on the minus strand). VCF-style: chr3-101244085-T-G. GRCh37 (hg19) VCF-style: chr3-100962929-T-G.
Other names: short protein forms Q749P.
Identifiers: ClinVar variation 1430000 (VCV001430000.8), dbSNP rs2107219896, ClinGen allele CA353858262.

ClinVar aggregate classification (germline): Uncertain significance (1 of 4 stars; one submission).

Submission:

Labcorp Genetics (formerly Invitae), Labcorp
Classification: Uncertain significance. Last evaluated: 2022-03-10. Review status: criteria provided, single submitter. Criteria: Invitae Variant Classification Sherloc (09022015). Collection method: clinical testing. Allele origin: germline.
Comment: Algorithms developed to predict the effect of missense changes on protein structure and function are either unavailable or do not agree on the potential impact of this missense change (SIFT: "Deleterious"; PolyPhen-2: "Possibly Damaging"; Align-GVGD: "Class C15"). In summary, the available evidence is currently insufficient to determine the role of this variant in disease. Therefore, it has been classified as a Variant of Uncertain Significance. This variant has not been reported in the literature in individuals affected with IMPG2-related conditions. This variant is not present in population databases (gnomAD no frequency). This sequence change replaces glutamine, which is neutral and polar, with proline, which is neutral and non-polar, at codon 749 of the IMPG2 protein (p.Gln749Pro).